The following is an entry in ClinVar:

ClinVar aggregate classification (germline): Pathogenic/Likely pathogenic. Review status: criteria provided, multiple submitters, no conflicts (2 of 4 stars). 3 submissions from 3 submitters: Pathogenic (1); Likely pathogenic (2). Last evaluated 2026-01-27.

Conditions:
Walker-Warburg congenital muscular dystrophy. Also called: Muscular dystrophy-dystroglycanopathy, type A; Walker-Warburg syndrome. Identifiers: Orphanet 899, MedGen C0265221, MONDO:0000171.
Muscular dystrophy-dystroglycanopathy (congenital with brain and eye anomalies), type A, 4 (MDDGA4). Also called: Walker-Warburg Syndrome, Fktn-Related; Muscular dystrophy, congenital progressive, with mental retardation; Muscular dystrophy, congenital, with central nervous system involvement; Cerebromuscular dystrophy, Fukuyama type; Congenital muscular dystrophy-dystroglycanopathy with brain and eye anomalies, type A4; WALKER-WARBURG SYNDROME OR MUSCLE-EYE-BRAIN DISEASE, FKTN-RELATED. Identifiers: Orphanet 272, Orphanet 588, Orphanet 899, MedGen C0410174, MONDO:0009678, OMIM 253800.

Submissions (3):

Natera, Inc.
Classification: Likely pathogenic for Walker-Warburg congenital muscular dystrophy. Last evaluated: 2026-01-27. Review status: criteria provided, single submitter. Criteria: Natera Variant Classification Schema (03/2026). Collection method: clinical testing. Allele origin: germline.
Comment: The c.567_568delinsTT variant in FKTN is a deletion-insertion (delins) variant predicted to replace one or more nucleotides with a different sequence. This variant is expected to result in nonsense mediated decay, truncation, or a dysfunctional protein product. This variant is rare in the general population with a frequency below the threshold expected for the associated phenotype(s). Given the available evidence, this variant is classified as Likely Pathogenic.

Labcorp Genetics (formerly Invitae), Labcorp
Classification: Pathogenic for Walker-Warburg congenital muscular dystrophy. Last evaluated: 2023-09-01. Review status: criteria provided, single submitter. Criteria: Invitae Variant Classification Sherloc (09022015). Collection method: clinical testing. Allele origin: germline.
Comment: Information on the frequency of this variant in the gnomAD database is not available, as this variant may be reported differently in the database. This sequence change creates a premature translational stop signal (p.Leu189_Arg190delinsPhe*) in the FKTN gene. It is expected to result in an absent or disrupted protein product. Loss-of-function variants in FKTN are known to be pathogenic (PMID: 17044012, 17878207, 18752264). This variant has not been reported in the literature in individuals affected with FKTN-related conditions. ClinVar contains an entry for this variant (Variation ID: 1075765). For these reasons, this variant has been classified as Pathogenic.

Women's Health and Genetics/Laboratory Corporation of America, LabCorp
Classification: Likely pathogenic for Muscular dystrophy-dystroglycanopathy (congenital with brain and eye anomalies), type A, 4. Last evaluated: 2022-11-07. Review status: criteria provided, single submitter. Criteria: LabCorp Variant Classification Summary - May 2015. Collection method: clinical testing. Allele origin: germline.
Comment: Variant summary: FKTN c.567_568delinsTT (p.Leu189PhefsX2) results in a premature termination codon, predicted to cause a truncation of the encoded protein or absence of the protein due to nonsense mediated decay, which are commonly known mechanisms for disease. Truncations downstream of this position have been classified as pathogenic by our laboratory. The frequency of this variant in the general population could not be determined as the technology used for large population databases (ExAC, gnomAD, ESP, 1000G) cannot detect variants of this type. To our knowledge, no occurrence of c.567_568delinsTT in individuals affected with Walker-Warburg Syndrome and no experimental evidence demonstrating its impact on protein function have been reported. A ClinVar submitter (evaluation after 2014) cites the variant as pathogenic. Based on the evidence outlined above, the variant was classified as likely pathogenic.

Literature cited by the submitters: PubMed 17044012 (cited by Labcorp Genetics (formerly Invitae), Labcorp); PubMed 17878207 (cited by Labcorp Genetics (formerly Invitae), Labcorp); PubMed 18752264 (cited by Labcorp Genetics (formerly Invitae), Labcorp).

NM_001079802.2(FKTN):c.567_568delinsTT (p.Leu189_Arg190delinsPheTer)

Gene: FKTN (fukutin; plus strand). Cytogenetic location: 9q31.2.
Variant type: Indel.
Coding change: c.567_568delinsTT on transcript NM_001079802.2 (MANE Select); coding-DNA positions 567 to 568, GA replaced by TT.
Protein change: p.Leu189_Arg190delinsPheTer.
Molecular consequence: nonsense. On other transcripts: non-coding transcript variant (2).
Genome position (GRCh38, 1-based): chr9:105,604,412-105,604,413, GA replaced by TT. VCF-style: chr9-105604412-GA-TT. GRCh37 (hg19) VCF-style: chr9-108366693-GA-TT.
Other names: c.567_568delinsTT, p.Leu189_Arg190delinsPheTer (NM_001198963.2, NM_001351496.2, NM_001351498.2 and 1 more transcripts); c.498_499delinsTT, p.Leu166_Arg167delinsPheTer (NM_001351497.2); c.171_172delinsTT, p.Leu57_Arg58delinsPheTer (NM_001351499.2, NM_001351500.2, NM_001351501.2 and 1 more transcripts); c.567_568delinsTT (NM_001079802.1).
Identifiers: ClinVar variation 1075765 (VCV001075765.9), dbSNP rs2132800044, ClinGen allele CA2499219527.